The following is an entry in ClinVar:

ClinVar aggregate classification (germline): Pathogenic (1 of 4 stars; one submission).

Submission:

Labcorp Genetics (formerly Invitae), Labcorp
Classification: Pathogenic. Last evaluated: 2021-12-12. Review status: criteria provided, single submitter. Criteria: Invitae Variant Classification Sherloc (09022015). Collection method: clinical testing. Allele origin: germline.
Comment: For these reasons, this variant has been classified as Pathogenic. This sequence change creates a premature translational stop signal (p.Phe732Leufs*21) in the COL4A4 gene. It is expected to result in an absent or disrupted protein product. Loss-of-function variants in COL4A4 are known to be pathogenic (PMID: 21196518, 24854265, 25307543). This variant is not present in population databases (gnomAD no frequency). This variant has not been reported in the literature in individuals affected with COL4A4-related conditions.

Literature cited by the submitters: PubMed 21196518; PubMed 24854265; PubMed 25307543.

NM_000092.5(COL4A4):c.2196del (p.Phe732fs)

Gene: COL4A4 (collagen type IV alpha 4 chain; minus strand). Cytogenetic location: 2q36.3.
Variant type: Deletion.
Coding change: c.2196del on transcript NM_000092.5 (MANE Select); coding-DNA position 2196, one base deleted (T; older notation c.2196delT).
Protein change: p.Phe732fs; shifts the reading frame from phenylalanine 732.
Molecular consequence: frameshift variant.
Genome position (GRCh38, 1-based): chr2:227,059,592, A deleted on the plus strand (T on the coding strand, the reverse complement: COL4A4 is on the minus strand); the first of 4 consecutive A bases (chr2:227,059,592-227,059,595); deleting any one gives the same sequence. VCF-style (leftmost placement, unchanged base first): chr2-227059591-CA-C. GRCh37 (hg19) VCF-style: chr2-227924307-CA-C.
Other names: short protein forms F732fs.
Identifiers: ClinVar variation 1382507 (VCV001382507.6), dbSNP rs2150276476, ClinGen allele CA2573135649.